The following is an entry in ClinVar:

ClinVar aggregate classification (germline): Pathogenic (1 of 4 stars; one submission).

Submission:

Ambry Genetics
Classification: Pathogenic. Last evaluated: 2026-07-01. Review status: criteria provided, single submitter. Criteria: Ambry Variant Classification Scheme 2023. Collection method: clinical testing. Allele origin: germline.
Comment: The p.Q993* pathogenic mutation (also known as c.2977C>T), located in coding exon 1 of the MLH3 gene, results from a C to T substitution at nucleotide position 2977. This changes the amino acid from a glutamine to a stop codon within coding exon 1. This variant is considered to be rare based on population cohorts in the Genome Aggregation Database (gnomAD). This alteration is expected to result in loss of function by premature protein truncation or nonsense-mediated mRNA decay. As such, this alteration is interpreted as a disease-causing mutation.

NM_001040108.2(MLH3):c.2977C>T (p.Gln993Ter)

Gene: MLH3 (mutL homolog 3; minus strand). Cytogenetic location: 14q24.3.
Variant type: single nucleotide variant.
Coding change: c.2977C>T on transcript NM_001040108.2 (MANE Select); coding-DNA position 2977, C replaced by T.
Protein change: p.Gln993Ter; replaces glutamine 993 with a stop codon.
Molecular consequence: nonsense.
Genome position (GRCh38, 1-based): chr14:75,046,679, G>A on the plus strand (C>T on the coding strand, the complement: MLH3 is on the minus strand). VCF-style: chr14-75046679-G-A. GRCh37 (hg19) VCF-style: chr14-75513382-G-A.
Other names: c.2977C>T, p.Gln993Ter (NM_014381.3); short protein forms Q993*.
Identifiers: ClinVar variation 5024583 (VCV005024583.1).